The following is an entry in ClinVar:

ClinVar aggregate classification (germline): Likely benign (1 of 4 stars; one submission).

Conditions:
COL11A1-related disorder. Also called: COL11A1-related condition; COL11A1-related disorders.

gnomAD v4.1: 2 of 1,587,416 alleles (0.00013%); highest among the groups gnomAD compares: African/African-American, 0.0027%; no homozygotes.

Submission:

PreventionGenetics, part of Exact Sciences
Classification: Likely benign for COL11A1-related condition. Last evaluated: 2025-04-17. Review status: criteria provided, single submitter. Criteria: ACMG Guidelines, 2015. Collection method: clinical testing. Allele origin: germline.
Comment: This variant is classified as likely benign based on ACMG/AMP sequence variant interpretation guidelines (Richards et al. 2015 PMID: 25741868, with internal and published modifications).

NM_001854.4(COL11A1):c.781-4G>A

Gene: COL11A1 (collagen type XI alpha 1 chain; minus strand). Cytogenetic location: 1p21.1.
Variant type: single nucleotide variant.
Coding change: c.781-4G>A on transcript NM_001854.4 (MANE Select); 4 bases into the intron before coding-DNA position 781, G replaced by A.
Molecular consequence: intron variant.
Genome position (GRCh38, 1-based): chr1:103,026,336, C>T on the plus strand (G>A on the coding strand, the complement: COL11A1 is on the minus strand). VCF-style: chr1-103026336-C-T. GRCh37 (hg19) VCF-style: chr1-103491892-C-T.
Other names: c.781-723G>A (NM_001190709.2); c.781-384G>A (NM_080629.3); c.781-4G>A (NM_080630.4).
Identifiers: ClinVar variation 4983306 (VCV004983306.1).